The following is an entry in ClinVar:

ClinVar aggregate classification (germline): Uncertain significance. Review status: criteria provided, multiple submitters, no conflicts (2 of 4 stars). 4 submissions from 4 submitters: Uncertain significance (4). Last evaluated 2025-08-07.

Conditions:
Familial juvenile hyperuricemic nephropathy type 1 (ADTKD1). Also called: Autosomal Dominant Tubulointerstitial Kidney Disease – UMOD; UMOD-Associated Kidney Disease; Uromodulin-associated kidney disease; Glomerulocystic kidney disease with hyperuricemia and isosthenuria; Medullary cystic kidney disease 2. Identifiers: Orphanet 209886, Orphanet 34149, Orphanet 88950, MedGen C4551496, MONDO:0008073, OMIM 162000.

Allele frequency attached by ClinVar (database versions not stated): gnomAD 0.00001; TOPMed 0.00001; ExAC 0.00002; gnomAD exomes 0.00003.
gnomAD v4.1: 50 of 1,613,282 alleles (0.0031%); highest among the groups gnomAD compares: Non-Finnish European, 0.0041%; no homozygotes.

Submissions (4):

Mayo Clinic Laboratories, Mayo Clinic
Classification: Uncertain significance. Last evaluated: 2025-08-07. Review status: criteria provided, single submitter. Criteria: ACMG Guidelines, 2015. Collection method: clinical testing. Allele origin: germline. Observed: 1 variant allele.

Fulgent Genetics
Classification: Uncertain significance for Familial juvenile hyperuricemic nephropathy type 1. Last evaluated: 2024-03-27. Review status: criteria provided, single submitter. Criteria: ACMG Guidelines, 2015. Collection method: clinical testing. Allele origin: germline.

Labcorp Genetics (formerly Invitae), Labcorp
Classification: Uncertain significance. Last evaluated: 2023-03-31. Review status: criteria provided, single submitter. Criteria: Invitae Variant Classification Sherloc (09022015). Collection method: clinical testing. Allele origin: germline.
Comment: In summary, the available evidence is currently insufficient to determine the role of this variant in disease. Therefore, it has been classified as a Variant of Uncertain Significance. Advanced modeling of protein sequence and biophysical properties (such as structural, functional, and spatial information, amino acid conservation, physicochemical variation, residue mobility, and thermodynamic stability) performed at Invitae indicates that this missense variant is not expected to disrupt UMOD protein function. This variant has not been reported in the literature in individuals affected with UMOD-related conditions. This variant is present in population databases (rs774567659, gnomAD 0.003%). This sequence change replaces serine, which is neutral and polar, with proline, which is neutral and non-polar, at codon 33 of the UMOD protein (p.Ser33Pro).

Department of Pathology and Laboratory Medicine, Sinai Health System
Classification: Uncertain significance for Familial juvenile hyperuricemic nephropathy type 1. Last evaluated: 2022-01-21. Review status: criteria provided, single submitter. Criteria: ACMG Guidelines, 2015. Collection method: research. Allele origin: germline.

NM_003361.4(UMOD):c.97T>C (p.Ser33Pro)

Gene: UMOD (uromodulin; minus strand). Cytogenetic location: 16p12.3.
Variant type: single nucleotide variant.
Coding change: c.97T>C on transcript NM_003361.4 (MANE Select); coding-DNA position 97, T replaced by C.
Protein change: p.Ser33Pro; replaces serine 33 with proline.
Molecular consequence: missense variant. On other transcripts: non-coding transcript variant (1).
Genome position (GRCh38, 1-based): chr16:20,349,204, A>G on the plus strand (T>C on the coding strand, the complement: UMOD is on the minus strand). VCF-style: chr16-20349204-A-G. GRCh37 (hg19) VCF-style: chr16-20360526-A-G.
Other names: p.Ser33Pro; c.97T>C, p.Ser33Pro (NM_001008389.3, NM_001378232.1, NM_001378233.1 and 3 more transcripts); c.196T>C, p.Ser66Pro (NM_001278614.2); c.97T>C (NM_003361.3); short protein forms S33P, S66P.
Identifiers: ClinVar variation 2960956 (VCV002960956.6), dbSNP rs774567659, ClinGen allele CA7939494.